The following is an entry in ClinVar:

ClinVar aggregate classification (germline): Uncertain significance (1 of 4 stars; one submission).

Conditions:
Congenital myasthenic syndrome 8. Also called: MYASTHENIC SYNDROME, CONGENITAL, DUE TO AGRIN DEFICIENCY; Myasthenic syndrome, congenital, 8, with pre- and postsynaptic defects. Identifiers: Orphanet 590, MedGen C3808739, MONDO:0014052, OMIM 615120.

Allele frequency attached by ClinVar (database versions not stated): TOPMed 0.00002; ExAC 0.00003; gnomAD 0.00003 and 0.00004.
gnomAD v4.1: 49 of 1,611,760 alleles (0.003%); highest among the groups gnomAD compares: Non-Finnish European, 0.003%; no homozygotes.

Submission:

Labcorp Genetics (formerly Invitae), Labcorp
Classification: Uncertain significance for Congenital myasthenic syndrome 8. Last evaluated: 2025-10-21. Review status: criteria provided, single submitter. Criteria: Invitae Variant Classification Sherloc (09022015). Collection method: clinical testing. Allele origin: germline.
Comment: This sequence change falls in intron 12 of the AGRN gene. It does not directly change the encoded amino acid sequence of the AGRN protein. It affects a nucleotide within the consensus splice site. This variant is present in population databases (rs199892129, gnomAD 0.03%). This variant has not been reported in the literature in individuals affected with AGRN-related conditions. ClinVar contains an entry for this variant (Variation ID: 638972). Variants that disrupt the consensus splice site are a relatively common cause of aberrant splicing (PMID: 17576681, 9536098). Algorithms developed to predict the effect of sequence changes on RNA splicing suggest that this variant is not likely to affect RNA splicing. In summary, the available evidence is currently insufficient to determine the role of this variant in disease. Therefore, it has been classified as a Variant of Uncertain Significance.

Literature cited by the submitters: PubMed 17576681; PubMed 9536098.

NM_198576.4(AGRN):c.2255-3C>T

Gene: AGRN (agrin; plus strand). Cytogenetic location: 1p36.33.
Variant type: single nucleotide variant.
Coding change: c.2255-3C>T on transcript NM_198576.4 (MANE Select); 3 bases into the intron before coding-DNA position 2255, C replaced by T.
Molecular consequence: intron variant.
Genome position (GRCh38, 1-based): chr1:1,045,158, C>T. VCF-style: chr1-1045158-C-T. GRCh37 (hg19) VCF-style: chr1-980538-C-T.
Other names: c.2255-3C>T (NM_001305275.2); c.1940-3C>T (NM_001364727.2).
Identifiers: ClinVar variation 638972 (VCV000638972.7), dbSNP rs199892129, ClinGen allele CA508561.